The following is an entry in ClinVar:

ClinVar aggregate classification (germline): Uncertain significance (1 of 4 stars; one submission).

Allele frequency attached by ClinVar (database versions not stated): TOPMed below 0.00001; gnomAD 0.00001; ExAC 0.00005.

Submission:

Labcorp Genetics (formerly Invitae), Labcorp
Classification: Uncertain significance. Last evaluated: 2022-01-15. Review status: criteria provided, single submitter. Criteria: Invitae Variant Classification Sherloc (09022015). Collection method: clinical testing. Allele origin: germline.
Comment: In summary, the available evidence is currently insufficient to determine the role of this variant in disease. Therefore, it has been classified as a Variant of Uncertain Significance. Algorithms developed to predict the effect of missense changes on protein structure and function are either unavailable or do not agree on the potential impact of this missense change (SIFT: "Tolerated"; PolyPhen-2: "Probably Damaging"; Align-GVGD: "Class C0"). This variant has not been reported in the literature in individuals affected with CREB3L1-related conditions. The frequency data for this variant in the population databases is considered unreliable, as metrics indicate poor data quality at this position in the gnomAD database. This sequence change replaces proline, which is neutral and non-polar, with histidine, which is basic and polar, at codon 7 of the CREB3L1 protein (p.Pro7His).

NM_052854.4(CREB3L1):c.20C>A (p.Pro7His)

Gene: CREB3L1 (cAMP responsive element binding protein 3 like 1; plus strand). Cytogenetic location: 11p11.2.
Variant type: single nucleotide variant.
Coding change: c.20C>A on transcript NM_052854.4 (MANE Select); coding-DNA position 20, C replaced by A.
Protein change: p.Pro7His; replaces proline 7 with histidine.
Molecular consequence: missense variant.
Genome position (GRCh38, 1-based): chr11:46,278,131, C>A. VCF-style: chr11-46278131-C-A. GRCh37 (hg19) VCF-style: chr11-46299682-C-A.
Other names: short protein forms P7H.
Identifiers: ClinVar variation 1983375 (VCV001983375.4), dbSNP rs759547364, ClinGen allele CA5961478.